The following is an entry in ClinVar:

ClinVar aggregate classification (germline): Uncertain significance (1 of 4 stars; one submission).

Submission:

Labcorp Genetics (formerly Invitae), Labcorp
Classification: Uncertain significance. Last evaluated: 2022-03-16. Review status: criteria provided, single submitter. Criteria: Invitae Variant Classification Sherloc (09022015). Collection method: clinical testing. Allele origin: germline.
Comment: In summary, the available evidence is currently insufficient to determine the role of this variant in disease. Therefore, it has been classified as a Variant of Uncertain Significance. Algorithms developed to predict the effect of sequence changes on RNA splicing suggest that this variant may disrupt the consensus splice site. This variant has not been reported in the literature in individuals affected with ATR-related conditions. This variant is not present in population databases (gnomAD no frequency). This sequence change falls in intron 27 of the ATR gene. It does not directly change the encoded amino acid sequence of the ATR protein.

NM_001184.4(ATR):c.4853-22_4853-19del

Gene: ATR (ATR checkpoint kinase; minus strand). Cytogenetic location: 3q23.
Variant type: Deletion.
Coding change: c.4853-22_4853-19del on transcript NM_001184.4 (MANE Select); 22 bases into the intron before coding-DNA position 4853 through 19 bases into the intron before coding-DNA position 4853, 4 bases deleted (CTCA; older notation c.4853-22_4853-19delCTCA).
Molecular consequence: intron variant.
Genome position (GRCh38, 1-based): chr3:142,508,128-142,508,131, TGAG deleted on the plus strand (CTCA on the coding strand, the reverse complement: ATR is on the minus strand); deleting any 4 consecutive bases within chr3:142,508,128-142,508,132 gives the same sequence; the c. name uses the placement nearest the transcript's 3' end. VCF-style (leftmost placement, unchanged base first): chr3-142508127-TTGAG-T. GRCh37 (hg19) VCF-style: chr3-142226969-TTGAG-T.
Other names: c.4661-22_4661-19del (NM_001354579.2).
Identifiers: ClinVar variation 2166560 (VCV002166560.4), dbSNP rs2473200836, ClinGen allele CA2580068981.